The following is an entry in ClinVar:

NM_000132.4(F8):c.1457A>G (p.Asn486Ser)

Gene: F8 (coagulation factor VIII; minus strand). Cytogenetic location: Xq28.
Variant type: single nucleotide variant.
Coding change: c.1457A>G on transcript NM_000132.4 (MANE Select); coding-DNA position 1457, A replaced by G.
Protein change: p.Asn486Ser; replaces asparagine 486 with serine.
Molecular consequence: missense variant.
Genome position (GRCh38, 1-based): chrX:154,961,155, T>C on the plus strand (A>G on the coding strand, the complement: F8 is on the minus strand). VCF-style: chrX-154961155-T-C. GRCh37 (hg19) VCF-style: chrX-154189430-T-C.
Other names: short protein forms N486S.
Identifiers: ClinVar variation 4884314 (VCV004884314.1).

ClinVar aggregate classification (germline): Likely pathogenic (1 of 4 stars; one submission).

Conditions:
Factor VIII deficiency. Identifiers: MedGen C3494187, OMIM 134500.

Submission:

North West Genomic Laboratory Hub, Manchester University NHS Foundation Trust
Classification: Likely pathogenic for Factor VIII deficiency. Last evaluated: 2024-12-11. Review status: criteria provided, single submitter. Criteria: ACGS Best Practice Guidelines for Variant Classification in Rare Disease 2024. Collection method: clinical testing. Allele origin: germline. Affected: yes.
Comment: PP4_Mod PM2_Mod PS4_Mod PP3_Supp